The following is an entry in ClinVar:

NM_001348716.2(KDM6B):c.2275A>G (p.Thr759Ala)

Gene: KDM6B (lysine demethylase 6B; plus strand). Cytogenetic location: 17p13.1.
Variant type: single nucleotide variant.
Coding change: c.2275A>G on transcript NM_001348716.2 (MANE Select); coding-DNA position 2275, A replaced by G.
Protein change: p.Thr759Ala; replaces threonine 759 with alanine.
Molecular consequence: missense variant.
Genome position (GRCh38, 1-based): chr17:7,848,563, A>G. VCF-style: chr17-7848563-A-G. GRCh37 (hg19) VCF-style: chr17-7751881-A-G.
Other names: c.2275A>G, p.Thr759Ala (NM_001080424.2); short protein forms T759A.
Identifiers: ClinVar variation 4687129 (VCV004687129.1).

ClinVar aggregate classification (germline): Uncertain significance (1 of 4 stars; one submission).

gnomAD v4.1: 1 of 1,532,634 alleles (0.000065%); highest among the groups gnomAD compares: African/African-American, 0.0016%; no homozygotes.

Submission:

Women's Health and Genetics/Laboratory Corporation of America, LabCorp
Classification: Uncertain significance. Last evaluated: 2025-10-21. Review status: criteria provided, single submitter. Criteria: LabCorp Variant Classification Summary - May 2015. Collection method: clinical testing. Allele origin: germline.
Comment: Variant summary: KDM6B c.2275A>G (p.Thr759Ala) results in a non-conservative amino acid change in the encoded protein sequence. Algorithms developed to predict the effect of missense changes on protein structure and function are either unavailable or do not agree on the potential impact of this missense change. The variant allele was found at a frequency of 4.2e-06 in 240426 control chromosomes. The available data on variant occurrences in the general population are insufficient to allow any conclusion about variant significance. To our knowledge, no occurrence of c.2275A>G in individuals affected with KDM6B-related conditions and no experimental evidence demonstrating its impact on protein function have been reported. No submitters have cited clinical-significance assessments for this variant to ClinVar. Based on the evidence outlined above, the variant was classified as uncertain significance.